The following is an entry in ClinVar:

NM_031471.6(FERMT3):c.790G>C (p.Asp264His)

Gene: FERMT3 (FERM domain containing kindlin 3; plus strand). Cytogenetic location: 11q13.1.
Variant type: single nucleotide variant.
Coding change: c.790G>C on transcript NM_031471.6 (MANE Select); coding-DNA position 790, G replaced by C.
Protein change: p.Asp264His; replaces aspartic acid 264 with histidine.
Molecular consequence: missense variant.
Genome position (GRCh38, 1-based): chr11:64,219,254, G>C. VCF-style: chr11-64219254-G-C. GRCh37 (hg19) VCF-style: chr11-63986726-G-C.
Other names: c.790G>C, p.Asp264His (NM_001382361.1, NM_001382362.1, NM_001382448.1 and 1 more transcripts); c.250G>C, p.Asp84His (NM_001382363.1, NM_001382364.1); short protein forms D264H, D84H.
Identifiers: ClinVar variation 1361645 (VCV001361645.8), dbSNP rs1303226802, ClinGen allele CA381084535.

ClinVar aggregate classification (germline): Uncertain significance (1 of 4 stars; one submission).

Conditions:
Leukocyte adhesion deficiency 3. Also called: Leukocyte adhesion deficiency, type III; INTEGRIN ACTIVATION DEFICIENCY DISEASE; LEUKOCYTE ADHESION DEFICIENCY 1 VARIANT. Identifiers: Orphanet 2968, Orphanet 99844, MedGen C2748536, MONDO:0013016, OMIM 612840.

Allele frequency attached by ClinVar (database versions not stated): gnomAD exomes below 0.00001.
gnomAD v4.1: 1 of 1,591,890 alleles (0.000063%); highest among the groups gnomAD compares: Admixed American, 0.0018%; no homozygotes.

Submission:

Labcorp Genetics (formerly Invitae), Labcorp
Classification: Uncertain significance for Leukocyte adhesion deficiency 3. Last evaluated: 2024-10-28. Review status: criteria provided, single submitter. Criteria: Invitae Variant Classification Sherloc (09022015). Collection method: clinical testing. Allele origin: germline.
Comment: This sequence change replaces aspartic acid, which is acidic and polar, with histidine, which is basic and polar, at codon 264 of the FERMT3 protein (p.Asp264His). This variant is present in population databases (no rsID available, gnomAD 0.003%). This variant has not been reported in the literature in individuals affected with FERMT3-related conditions. ClinVar contains an entry for this variant (Variation ID: 1361645). Invitae Evidence Modeling of protein sequence and biophysical properties (such as structural, functional, and spatial information, amino acid conservation, physicochemical variation, residue mobility, and thermodynamic stability) indicates that this missense variant is expected to disrupt FERMT3 protein function with a positive predictive value of 80%. In summary, the available evidence is currently insufficient to determine the role of this variant in disease. Therefore, it has been classified as a Variant of Uncertain Significance.